The following is an entry in ClinVar:

NM_017514.5(PLXNA3):c.5407G>A (p.Asp1803Asn)

Gene: PLXNA3 (plexin A3; plus strand). Cytogenetic location: Xq28.
Variant type: single nucleotide variant.
Coding change: c.5407G>A on transcript NM_017514.5 (MANE Select); coding-DNA position 5407, G replaced by A.
Protein change: p.Asp1803Asn; replaces aspartic acid 1803 with asparagine.
Molecular consequence: missense variant.
Genome position (GRCh38, 1-based): chrX:154,471,525, G>A. VCF-style: chrX-154471525-G-A. GRCh37 (hg19) VCF-style: chrX-153699868-G-A.
Other names: short protein forms D1803N.
Identifiers: ClinVar variation 4999210 (VCV004999210.1).

ClinVar aggregate classification (germline): Uncertain significance (1 of 4 stars; one submission).

Conditions:
PLXNA3-related disorder. Also called: PLXNA3-related condition.

gnomAD v4.1: 9 of 1,205,516 alleles (0.00075%); highest among the groups gnomAD compares: East Asian, 0.0059%; no homozygotes.

Submission:

PreventionGenetics, part of Exact Sciences
Classification: Uncertain significance for PLXNA3-related condition. Last evaluated: 2025-05-01. Review status: criteria provided, single submitter. Criteria: ACMG Guidelines, 2015. Collection method: clinical testing. Allele origin: germline.
Comment: The PLXNA3 c.5407G>A variant is predicted to result in the amino acid substitution p.Asp1803Asn. To our knowledge, this variant has not been reported in the literature. This variant is reported in 0.0053% of alleles in individuals of South Asian descent in gnomAD. At this time, the clinical significance of this variant is uncertain due to the absence of conclusive functional and genetic evidence.